The following is an entry in ClinVar:

ClinVar aggregate classification (germline): Uncertain significance. Review status: criteria provided, multiple submitters, no conflicts (2 of 4 stars). 2 submissions from 2 submitters: Uncertain significance (2). Last evaluated 2022-07-26.

Conditions:
Inborn genetic diseases. Identifiers: MedGen C0950123, MeSH D030342.

Allele frequency attached by ClinVar (database versions not stated): TOPMed below 0.00001; ESP Exome Variant Server 0.00008.
gnomAD v4.1: 24 of 1,610,326 alleles (0.0015%); highest among the groups gnomAD compares: Non-Finnish European, 0.0019%; no homozygotes.

Submissions (2):

Labcorp Genetics (formerly Invitae), Labcorp
Classification: Uncertain significance. Last evaluated: 2022-07-26. Review status: criteria provided, single submitter. Criteria: Invitae Variant Classification Sherloc (09022015). Collection method: clinical testing. Allele origin: germline.
Comment: In summary, the available evidence is currently insufficient to determine the role of this variant in disease. Therefore, it has been classified as a Variant of Uncertain Significance. Algorithms developed to predict the effect of missense changes on protein structure and function output the following: SIFT: "Tolerated"; PolyPhen-2: "Benign"; Align-GVGD: "Class C0". The isoleucine amino acid residue is found in multiple mammalian species, which suggests that this missense change does not adversely affect protein function. ClinVar contains an entry for this variant (Variation ID: 1460994). This variant has not been reported in the literature in individuals affected with VPS13C-related conditions. This variant is present in population databases (rs369193687, gnomAD 0.0009%). This sequence change replaces valine, which is neutral and non-polar, with isoleucine, which is neutral and non-polar, at codon 1056 of the VPS13C protein (p.Val1056Ile).

Ambry Genetics
Classification: Uncertain significance for Inborn genetic diseases. Last evaluated: 2021-07-06. Review status: criteria provided, single submitter. Criteria: Ambry Variant Classification Scheme 2023. Collection method: clinical testing. Allele origin: germline.

NM_020821.3(VPS13C):c.3166G>A (p.Val1056Ile)

Gene: VPS13C (vacuolar protein sorting 13 homolog C; minus strand). Cytogenetic location: 15q22.2.
Variant type: single nucleotide variant.
Coding change: c.3166G>A on transcript NM_020821.3 (MANE Select); coding-DNA position 3166, G replaced by A.
Protein change: p.Val1056Ile; replaces valine 1056 with isoleucine.
Molecular consequence: missense variant.
Genome position (GRCh38, 1-based): chr15:61,964,747, C>T on the plus strand (G>A on the coding strand, the complement: VPS13C is on the minus strand). VCF-style: chr15-61964747-C-T. GRCh37 (hg19) VCF-style: chr15-62256946-C-T.
Other names: c.3166G>A (NM_020821.2); c.3166G>A, p.Val1056Ile (NM_001018088.3); c.3037G>A, p.Val1013Ile (NM_017684.5, NM_018080.4); short protein forms V1056I, V1013I.
Identifiers: ClinVar variation 1460994 (VCV001460994.7), dbSNP rs369193687, ClinGen allele CA7596473.